The following is an entry in ClinVar:

NM_001346754.2(PIGW):c.1123A>G (p.Ile375Val)

Genes: MYO19 (myosin XIX; minus strand), PIGW (phosphatidylinositol glycan anchor biosynthesis class W; plus strand). Cytogenetic location: 17q12.
Variant type: single nucleotide variant.
Coding change: c.1123A>G on transcript NM_001346754.2 (MANE Select); coding-DNA position 1123, A replaced by G.
Protein change: p.Ile375Val; replaces isoleucine 375 with valine.
Molecular consequence: missense variant.
Genome position (GRCh38, 1-based): chr17:36,538,224, A>G. VCF-style: chr17-36538224-A-G. GRCh37 (hg19) VCF-style: chr17-34894073-A-G.
Other names: c.1123A>G, p.Ile375Val (NM_001346755.2, NM_178517.5); short protein forms I375V.
Identifiers: ClinVar variation 1414409 (VCV001414409.6), dbSNP rs1267632826, ClinGen allele CA399164295.
Genomic context (GRCh38, chr17:36,538,224, plus strand): 5'-TACGTAGTTCAAGTAAATGTAGAAGCAGTATCTCGAAGAATGGCAAATTTAGCCTTTTGT[A>G]TTTGGATAGTTGCTTCTAGCCTGATCCTTCTTAGTAGTTTATTACTGGGTGATATAATTT-3'
Protein context (NP_001333683.1, residues 365-385): SRRMANLAFC[Ile375Val]WIVASSLILL

ClinVar aggregate classification (germline): Uncertain significance (1 of 4 stars; one submission).

Conditions:
Hyperphosphatasia with intellectual disability syndrome 5 (GPIBD11). Also called: GLYCOSYLPHOSPHATIDYLINOSITOL BIOSYNTHESIS DEFECT 11. Identifiers: Orphanet 247262, MedGen C4014958, MONDO:0014457, OMIM 616025.

Allele frequency attached by ClinVar (database versions not stated): gnomAD exomes below 0.00001; gnomAD 0.00001.
gnomAD v4.1: 4 of 1,613,034 alleles (0.00025%); highest among the groups gnomAD compares: African/African-American, 0.0013%; no homozygotes.

Submission:

Labcorp Genetics (formerly Invitae), Labcorp
Classification: Uncertain significance for Hyperphosphatasia with intellectual disability syndrome 5. Last evaluated: 2023-07-07. Review status: criteria provided, single submitter. Criteria: Invitae Variant Classification Sherloc (09022015). Collection method: clinical testing. Allele origin: germline.
Comment: This sequence change replaces isoleucine, which is neutral and non-polar, with valine, which is neutral and non-polar, at codon 375 of the PIGW protein (p.Ile375Val). This variant is present in population databases (no rsID available, gnomAD 0.004%). This variant has not been reported in the literature in individuals affected with PIGW-related conditions. ClinVar contains an entry for this variant (Variation ID: 1414409). Advanced modeling of protein sequence and biophysical properties (such as structural, functional, and spatial information, amino acid conservation, physicochemical variation, residue mobility, and thermodynamic stability) performed at Invitae indicates that this missense variant is not expected to disrupt PIGW protein function. In summary, the available evidence is currently insufficient to determine the role of this variant in disease. Therefore, it has been classified as a Variant of Uncertain Significance.